The following is an entry in ClinVar:

NM_006206.6(PDGFRA):c.1820T>C (p.Val607Ala)

Gene: PDGFRA (platelet derived growth factor receptor alpha; plus strand). Cytogenetic location: 4q12.
Variant type: single nucleotide variant.
Coding change: c.1820T>C on transcript NM_006206.6 (MANE Select); coding-DNA position 1820, T replaced by C.
Protein change: p.Val607Ala; replaces valine 607 with alanine.
Molecular consequence: missense variant.
Genome position (GRCh38, 1-based): chr4:54,277,421, T>C. VCF-style: chr4-54277421-T-C. GRCh37 (hg19) VCF-style: chr4-55143588-T-C.
Other names: c.1820T>C, p.Val607Ala (NM_001347827.2, NM_001347829.2); c.1895T>C, p.Val632Ala (NM_001347828.2); c.1859T>C, p.Val620Ala (NM_001347830.2); short protein forms V607A, V620A, V632A.
Identifiers: ClinVar variation 2098621 (VCV002098621.4), dbSNP rs2110308622, ClinGen allele CA356893396.

ClinVar aggregate classification (germline): Uncertain significance (1 of 4 stars; one submission).

Conditions:
Gastrointestinal stromal tumor. Also called: Gastrointestinal stroma tumor; Gastrointestinal stromal tumor, somatic. Identifiers: Orphanet 44890, MedGen C0238198, MeSH D046152, MONDO:0011719, OMIM 606764, HP:0100723.

Submission:

Labcorp Genetics (formerly Invitae), Labcorp
Classification: Uncertain significance for Gastrointestinal stromal tumor. Last evaluated: 2022-06-01. Review status: criteria provided, single submitter. Criteria: Invitae Variant Classification Sherloc (09022015). Collection method: clinical testing. Allele origin: germline.
Comment: This variant has not been reported in the literature in individuals affected with PDGFRA-related conditions. This sequence change replaces valine, which is neutral and non-polar, with alanine, which is neutral and non-polar, at codon 607 of the PDGFRA protein (p.Val607Ala). This variant is not present in population databases (gnomAD no frequency). Algorithms developed to predict the effect of missense changes on protein structure and function (SIFT, PolyPhen-2, Align-GVGD) all suggest that this variant is likely to be disruptive. In summary, the available evidence is currently insufficient to determine the role of this variant in disease. Therefore, it has been classified as a Variant of Uncertain Significance.